The following is an entry in ClinVar:

NM_018344.6(SLC29A3):c.424A>G (p.Ile142Val)

Gene: SLC29A3 (solute carrier family 29 member 3; plus strand). Cytogenetic location: 10q22.1.
Variant type: single nucleotide variant.
Coding change: c.424A>G on transcript NM_018344.6 (MANE Select); coding-DNA position 424, A replaced by G.
Protein change: p.Ile142Val; replaces isoleucine 142 with valine.
Molecular consequence: missense variant. On other transcripts: non-coding transcript variant (1).
Genome position (GRCh38, 1-based): chr10:71,351,602, A>G. VCF-style: chr10-71351602-A-G. GRCh37 (hg19) VCF-style: chr10-73111359-A-G.
Other names: c.424A>G, p.Ile142Val (NM_001174098.2); c.190A>G, p.Ile64Val (NM_001363518.2); short protein forms I64V, I142V.
Identifiers: ClinVar variation 654716 (VCV000654716.8), dbSNP rs1589237723, ClinGen allele CA377109381.

ClinVar aggregate classification (germline): Uncertain significance (1 of 4 stars; one submission).

Conditions:
H syndrome. Also called: Pigmented hypertrichosis and insulin-dependent diabetes mellitus; Histiocytosis with joint contractures and sensorineural deafness; FAISALABAD HISTIOCYTOSIS; HISTIOCYTOSIS AND LYMPHADENOPATHY WITH OR WITHOUT CUTANEOUS, CARDIAC, AND/OR ENDOCRINE FEATURES, JOINT CONTRACTURES, AND/OR DEAFNESS; HYPERPIGMENTATION, CUTANEOUS, WITH HYPERTRICHOSIS, HEPATOSPLENOMEGALY, HEART ANOMALIES, AND HYPOGONADISM WITH OR WITHOUT HEARING LOSS; PIGMENTED HYPERTRICHOSIS WITH INSULIN-DEPENDENT DIABETES MELLITUS. Identifiers: Orphanet 168569, MedGen C1864445, MONDO:0011273, OMIM 602782.

Submission:

Labcorp Genetics (formerly Invitae), Labcorp
Classification: Uncertain significance for H syndrome. Last evaluated: 2018-11-28. Review status: criteria provided, single submitter. Criteria: Invitae Variant Classification Sherloc (09022015). Collection method: clinical testing. Allele origin: germline.
Comment: Algorithms developed to predict the effect of missense changes on protein structure and function (SIFT, PolyPhen-2, Align-GVGD) all suggest that this variant is likely to be tolerated, but these predictions have not been confirmed by published functional studies and their clinical significance is uncertain. In summary, the available evidence is currently insufficient to determine the role of this variant in disease. Therefore, it has been classified as a Variant of Uncertain Significance. This variant has not been reported in the literature in individuals with SLC29A3-related conditions. This sequence change replaces isoleucine with valine at codon 142 of the SLC29A3 protein (p.Ile142Val). The isoleucine residue is weakly conserved and there is a small physicochemical difference between isoleucine and valine. This variant is not present in population databases (ExAC no frequency).